The following is an entry in ClinVar:

NM_007294.4(BRCA1):c.5468-10C>T

Gene: BRCA1 (BRCA1 DNA repair associated; minus strand). Cytogenetic location: 17q21.31.
Variant type: single nucleotide variant.
Coding change: c.5468-10C>T on transcript NM_007294.4 (MANE Select); 10 bases into the intron before coding-DNA position 5468, C replaced by T.
Molecular consequence: intron variant.
Genome position (GRCh38, 1-based): chr17:43,045,812, G>A on the plus strand (C>T on the coding strand, the complement: BRCA1 is on the minus strand). VCF-style: chr17-43045812-G-A. GRCh37 (hg19) VCF-style: chr17-41197829-G-A.
Other names: c.2015-10C>T (NM_001408458.1, NM_001408461.1, NM_001408464.1 and 7 more transcripts); c.4577-10C>T (NM_001407967.1); c.5087-10C>T (NM_001407959.1); c.5201-10C>T (NM_001407931.1, NM_001407932.1, NM_001407928.1 and 4 more transcripts); c.5324-10C>T (NM_001407747.1, NM_001407745.1, NM_001407737.1 and 18 more transcripts); c.5084-10C>T (NM_001407962.1, NM_001407960.1); c.1655-10C>T (NM_001408512.1); c.1778-10C>T (NM_001408510.1); and 83 more.
Identifiers: ClinVar variation 516553 (VCV000516553.10), dbSNP rs8176316, ClinGen allele CA658798054.

ClinVar aggregate classification (germline): Likely benign. Review status: criteria provided, multiple submitters, no conflicts (2 of 4 stars). 3 submissions from 3 submitters: Likely benign (3). Last evaluated 2024-03-23.

Conditions:
Hereditary breast ovarian cancer syndrome. Also called: Breast and ovarian cancer; Hereditary breast and/or ovarian cancer syndrome; BRCA1- and BRCA2-Associated Hereditary Breast and Ovarian Cancer; Hereditary breast and ovarian cancer syndrome; Hereditary breast and ovarian cancer syndrome (HBOC); Hereditary breast and ovarian cancer. Identifiers: Orphanet 145, MedGen C0677776, MeSH D061325, MONDO:0003582. Disease mechanism: loss of function.

Submissions (4):

Labcorp Genetics (formerly Invitae), Labcorp
Classification: Likely benign for Hereditary breast ovarian cancer syndrome. Last evaluated: 2024-03-23. Review status: criteria provided, single submitter. Criteria: Invitae Variant Classification Sherloc (09022015). Collection method: clinical testing. Allele origin: germline.

Women's Health and Genetics/Laboratory Corporation of America, LabCorp
Classification: Likely benign. Last evaluated: 2021-06-26. Review status: criteria provided, single submitter. Criteria: LabCorp Variant Classification Summary - May 2015. Collection method: clinical testing. Allele origin: germline.
Comment: Variant summary: BRCA1 c.5468-10C>T alters a non-conserved nucleotide located close to a canonical splice site and therefore could affect mRNA splicing, leading to a significantly altered protein sequence. 4/4 computational tools predict no significant impact on normal splicing. However, these predictions have yet to be confirmed by functional studies. The variant was absent in 250432 control chromosomes. The available data on variant occurrences in the general population are insufficient to allow any conclusion about variant significance. To our knowledge, no occurrence of c.5468-10C>T in individuals affected with Hereditary Breast And Ovarian Cancer Syndrome has been reported. At least one publication reports experimental evidence evaluating an impact on protein function. These results showed no damaging effect of this variant on homology directed repair (HDR) activity in the saturation genome editing (SGE) assay (Findly_2018). One clinical diagnostic laboratory has submitted clinical-significance assessments for this variant to ClinVar after 2014 without evidence for independent evaluation and classified the variant as likely benign. Based on the evidence outlined above, the variant was classified as likely benign.

GeneDx
Classification: Likely benign. Last evaluated: 2017-08-01. Review status: criteria provided, single submitter. Criteria: GeneDx Variant Classification (06012015). Collection method: clinical testing. Allele origin: germline. Affected: yes.
Comment: This variant is considered likely benign or benign based on one or more of the following criteria: it is a conservative change, it occurs at a poorly conserved position in the protein, it is predicted to be benign by multiple in silico algorithms, and/or has population frequency not consistent with disease.

Brotman Baty Institute, University of Washington
No classification provided (evidence only). Condition: Breast-ovarian cancer, familial 1. Review status: no classification provided. Collection method: in vitro. Allele origin: not applicable. Functional consequence: functionally_normal. Not counted in ClinVar's aggregate classification.
ClinVar note: "not provided" was previously submitted as the classification for the variant. However, the classification appeared to be based only on an observation of functional data so it was converted to no classification on 2025-07-30.

Literature cited by the submitters: PubMed 30209399 (cited by Women's Health and Genetics/Laboratory Corporation of America, LabCorp).